The following is an entry in ClinVar:

NM_020338.4(ZMIZ1):c.1606G>A (p.Val536Ile)

Gene: ZMIZ1 (zinc finger MIZ-type containing 1; plus strand). Cytogenetic location: 10q22.3.
Variant type: single nucleotide variant.
Coding change: c.1606G>A on transcript NM_020338.4 (MANE Select); coding-DNA position 1606, G replaced by A.
Protein change: p.Val536Ile; replaces valine 536 with isoleucine.
Molecular consequence: missense variant.
Genome position (GRCh38, 1-based): chr10:79,298,520, G>A. VCF-style: chr10-79298520-G-A. GRCh37 (hg19) VCF-style: chr10-81058277-G-A.
Other names: short protein forms V536I.
Identifiers: ClinVar variation 2361440 (VCV002361440.6), dbSNP rs751935868, ClinGen allele CA5572736.

ClinVar aggregate classification (germline): Conflicting classifications of pathogenicity. Review status: criteria provided, conflicting classifications (1 of 4 stars). 3 submissions from 3 submitters: Uncertain significance (1); Benign (1); Likely benign (1). Last evaluated 2026-09-01.

Conditions:
Inborn genetic diseases. Identifiers: MedGen C0950123, MeSH D030342.

Allele frequency attached by ClinVar (database versions not stated): gnomAD exomes 0.00004; ExAC 0.00006; gnomAD 0.00006; TOPMed 0.00006.
gnomAD v4.1: 70 of 1,600,928 alleles (0.0044%); highest among the groups gnomAD compares: Admixed American, 0.031%; no homozygotes.

Submissions (3):

CeGaT Center for Human Genetics Tuebingen
Classification: Likely benign. Last evaluated: 2026-09-01. Review status: criteria provided, single submitter. Criteria: CeGaT Center For Human Genetics Tuebingen Variant Classification Criteria Version 2. Collection method: clinical testing. Allele origin: germline. Affected: yes. Observed: 1 variant allele.
Comment: ZMIZ1: BS2

Labcorp Genetics (formerly Invitae), Labcorp
Classification: Benign. Last evaluated: 2025-06-12. Review status: criteria provided, single submitter. Criteria: Invitae Variant Classification Sherloc (09022015). Collection method: clinical testing. Allele origin: germline.

Ambry Genetics
Classification: Uncertain significance for Inborn genetic diseases. Last evaluated: 2021-09-22. Review status: criteria provided, single submitter. Criteria: Ambry Variant Classification Scheme 2023. Collection method: clinical testing. Allele origin: germline.